The following is an entry in ClinVar:

NM_004329.3(BMPR1A):c.-267-10T>C

Gene: BMPR1A (bone morphogenetic protein receptor type 1A; plus strand). Cytogenetic location: 10q23.2.
Variant type: single nucleotide variant.
Coding change: c.-267-10T>C on transcript NM_004329.3 (MANE Select); 10 bases into the intron before 267 bases upstream of the start codon, T replaced by C.
Molecular consequence: intron variant.
Genome position (GRCh38, 1-based): chr10:86,838,855, T>C. VCF-style: chr10-86838855-T-C. GRCh37 (hg19) VCF-style: chr10-88598612-T-C.
Identifiers: ClinVar variation 1692791 (VCV001692791.1), dbSNP rs1842388917, ClinGen allele CA930832478.

ClinVar aggregate classification (germline): Uncertain significance (1 of 4 stars; one submission).

Conditions:
Hereditary cancer-predisposing syndrome. Also called: Hereditary neoplastic syndrome; Tumor predisposition; Neoplastic Syndromes, Hereditary; Hereditary Cancer Syndrome. Identifiers: Orphanet 140162, MedGen C0027672, MeSH D009386, MONDO:0015356.

Allele frequency attached by ClinVar (database versions not stated): gnomAD 0.00001.

Submission:

Sema4
Classification: Uncertain significance for Hereditary cancer-predisposing syndrome. Last evaluated: 2021-04-27. Review status: criteria provided, single submitter. Criteria: Sema4 Curation Guidelines. Collection method: curation. Allele origin: germline.
Comment: The BMPR1A c.-267-10T>C variant has not been reported in the literature to our knowledge. It was not observed in the large and broad cohorts of the Genome Aggregation Database. The variant has not been reported in ClinVar. In silico tools suggest that the variant does not affect splicing, though these predictions have not been confirmed by functional studies. The evidence is insufficient to meet ACMG/AMP criteria for classifying the variant as benign or pathogenic. Thus, the clinical significance of this variant is currently uncertain.